The following is an entry in ClinVar:

ClinVar aggregate classification (germline): Uncertain significance (1 of 4 stars; one submission).

Conditions:
Tuberous sclerosis 1 (TSC1). Identifiers: Orphanet 805, MedGen C1854465, MONDO:0008612, OMIM 191100.

Submission:

Labcorp Genetics (formerly Invitae), Labcorp
Classification: Uncertain significance for Tuberous sclerosis 1. Last evaluated: 2025-11-03. Review status: criteria provided, single submitter. Criteria: Invitae Variant Classification Sherloc (09022015). Collection method: clinical testing. Allele origin: germline.
Comment: This sequence change replaces asparagine, which is neutral and polar, with aspartic acid, which is acidic and polar, at codon 665 of the TSC1 protein (p.Asn665Asp). This variant is not present in population databases (gnomAD no frequency). This variant has not been reported in the literature in individuals affected with TSC1-related conditions. ClinVar contains an entry for this variant (Variation ID: 3668557). Invitae Evidence Modeling of protein sequence and biophysical properties (such as structural, functional, and spatial information, amino acid conservation, physicochemical variation, residue mobility, and thermodynamic stability) indicates that this missense variant is not expected to disrupt TSC1 protein function with a negative predictive value of 95%. In summary, the available evidence is currently insufficient to determine the role of this variant in disease. Therefore, it has been classified as a Variant of Uncertain Significance.

NM_000368.5(TSC1):c.1993A>G (p.Asn665Asp)

Gene: TSC1 (TSC complex subunit 1; minus strand). Cytogenetic location: 9q34.13.
Variant type: single nucleotide variant.
Coding change: c.1993A>G on transcript NM_000368.5 (MANE Select); coding-DNA position 1993, A replaced by G.
Protein change: p.Asn665Asp; replaces asparagine 665 with aspartic acid.
Molecular consequence: missense variant. On other transcripts: non-coding transcript variant (5).
Genome position (GRCh38, 1-based): chr9:132,905,585, T>C on the plus strand (A>G on the coding strand, the complement: TSC1 is on the minus strand). VCF-style: chr9-132905585-T-C. GRCh37 (hg19) VCF-style: chr9-135780972-T-C.
Other names: c.1630A>G, p.Asn544Asp (NM_001406624.1, NM_001362177.2, NM_001406614.1 and 5 more transcripts); c.1627A>G, p.Asn543Asp (NM_001406625.1, NM_001406620.1, NM_001406621.1 and 2 more transcripts); c.1042A>G, p.Asn348Asp (NM_001406626.1); c.1039A>G, p.Asn347Asp (NM_001406627.1, NM_001406628.1); c.940A>G, p.Asn314Asp (NM_001406629.1, NM_001406630.1); c.1993A>G, p.Asn665Asp (NM_001406594.1, NM_001406595.1, NM_001406596.1 and 7 more transcripts); c.1990A>G, p.Asn664Asp (NM_001406597.1, NM_001406598.1, NM_001406599.1 and 6 more transcripts); c.1840A>G, p.Asn614Asp (NM_001162427.2, NM_001406610.1); and 1 more; short protein forms N314D, N347D, N348D, N664D, N665D, N613D, N543D, N544D.
Identifiers: ClinVar variation 3668557 (VCV003668557.2).
Genomic context (GRCh38, chr9:132,905,585, plus strand): 5'-GTACTTCACAATAAAATGGACCATTTAACACAGAAGAGAGTGCCCCAGTCCCTTACTTGT[T>C]CAGCTCCTTGCTGTGCGCGTCTGCTCCCTGCTGTATCAGTCTGTCCAGCACTTCCATTGG-3'
Protein context (NP_000359.1, residues 655-675): QGADAHSKEL[Asn665Asp]KLPLPSKSVD